The following is an entry in ClinVar:

ClinVar aggregate classification (germline): Likely pathogenic (1 of 4 stars; one submission).

Conditions:
Dilated cardiomyopathy 1G (CMD1G). Identifiers: Orphanet 154, MedGen C1858763, MONDO:0011400, OMIM 604145.
Autosomal recessive limb-girdle muscular dystrophy type 2J (LGMDR10). Also called: Limb-girdle muscular dystrophy, type 2J; MUSCULAR DYSTROPHY, LIMB-GIRDLE, AUTOSOMAL RECESSIVE 10. Identifiers: Orphanet 140922, MedGen C1837342, MONDO:0012127, OMIM 608807.

Submission:

Labcorp Genetics (formerly Invitae), Labcorp
Classification: Likely pathogenic for Dilated cardiomyopathy 1G; Autosomal recessive limb-girdle muscular dystrophy type 2J. Last evaluated: 2023-05-31. Review status: criteria provided, single submitter. Criteria: Invitae Variant Classification Sherloc (09022015). Collection method: clinical testing. Allele origin: germline.
Comment: In summary, the currently available evidence indicates that the variant is pathogenic, but additional data are needed to prove that conclusively. Therefore, this variant has been classified as Likely Pathogenic. This sequence change creates a premature translational stop signal (p.Ile25683Tyrfs*9) in the TTN gene. While this is not anticipated to result in nonsense mediated decay, it is expected to create a truncated TTN protein. This variant is located in the A band of TTN (PMID: 25589632). Truncating variants in this region are significantly overrepresented in patients affected with dilated cardiomyopathy (PMID: 25589632). Truncating variants in this region have also been reported in individuals affected with autosomal recessive centronuclear myopathy (PMID: 23975875). This variant has not been reported in the literature in individuals affected with TTN-related conditions. This variant is not present in population databases (gnomAD no frequency).

Literature cited by the submitters: PubMed 25589632; PubMed 23975875.

NM_001267550.2(TTN):c.77046dup (p.Ile25683fs)

Genes: TTN-AS1 (TTN antisense RNA 1; plus strand), TTN (titin; minus strand). Cytogenetic location: 2q31.2.
Variant type: Duplication.
Coding change: c.77046dup on transcript NM_001267550.2 (MANE Select); coding-DNA position 77046, one base duplicated (T; older notation c.77046dupT).
Protein change: p.Ile25683fs; shifts the reading frame from isoleucine 25683.
Molecular consequence: frameshift variant.
Genome position (GRCh38, 1-based): chr2:178,569,086, A duplicated on the plus strand (T on the coding strand, the reverse complement: TTN is on the minus strand). VCF-style (leftmost placement, unchanged base first): chr2-178569085-T-TA. GRCh37 (hg19) VCF-style: chr2-179433812-T-TA.
Other names: c.72123dup, p.Ile24042fs (NM_001256850.1); c.49851dup, p.Ile16618fs (NM_003319.4); c.69342dup, p.Ile23115fs (NM_133378.4); c.50226dup, p.Ile16743fs (NM_133432.3); c.50427dup, p.Ile16810fs (NM_133437.4); short protein forms I16810fs, I23115fs, I25683fs, I16618fs, I16743fs, I24042fs.
Identifiers: ClinVar variation 2948392 (VCV002948392.3), dbSNP rs2468389926, ClinGen allele CA2740096339.